The following is an entry in ClinVar:

NM_007294.4(BRCA1):c.1608_1611del (p.Asn537fs)

Gene: BRCA1 (BRCA1 DNA repair associated; minus strand). Cytogenetic location: 17q21.31.
Variant type: Deletion.
Coding change: c.1608_1611del on transcript NM_007294.4 (MANE Select); coding-DNA positions 1608 to 1611, 4 bases deleted (TAAC; older notation c.1608_1611delTAAC).
Protein change: p.Asn537fs; shifts the reading frame from asparagine 537.
Molecular consequence: frameshift variant. On other transcripts: intron variant (137).
Genome position (GRCh38, 1-based): chr17:43,093,920-43,093,923, GTTA deleted on the plus strand (TAAC on the coding strand, the reverse complement: BRCA1 is on the minus strand); deleting any 4 consecutive bases within chr17:43,093,920-43,093,926 gives the same sequence; the c. name uses the placement nearest the transcript's 3' end. VCF-style (leftmost placement, unchanged base first): chr17-43093919-GGTTA-G. GRCh37 (hg19) VCF-style: chr17-41245936-GGTTA-G.
Other names: 1727del4; c.1608_1611delTAAC (NM_007294.3); c.670+1923_670+1926del (NM_001408423.1, NM_001408420.1, NM_001408419.1 and 2 more transcripts); c.787+821_787+824del (NM_001408404.1, NM_001408472.1, NM_001407990.1 and 19 more transcripts); c.577+821_577+824del (NM_001408492.1, NM_001408513.1, NM_001408489.1 and 9 more transcripts); c.643+821_643+824del (NM_001408468.1, NM_001408465.1, NM_001408463.1 and 3 more transcripts); c.523+821_523+824del (NM_001408501.1, NM_001408500.1, NM_001408497.1 and 3 more transcripts); c.646+821_646+824del (NM_001408455.1, NM_001408466.1, NM_001408452.1 and 11 more transcripts); and 42 more; short protein forms N490fs, N537fs, N369fs, N410fs, N425fs, N448fs, N467fs, N469fs.
Identifiers: ClinVar variation 54306 (VCV000054306.6), dbSNP rs80357698, ClinGen allele CA001066.

ClinVar aggregate classification (germline): Pathogenic. Review status: reviewed by expert panel (3 of 4 stars). 4 submissions from 4 submitters: Pathogenic (1). 3 of the submissions do not count toward it. Last evaluated 2016-09-08.

Conditions:
Hereditary breast ovarian cancer syndrome. Also called: Hereditary breast and ovarian cancer syndrome (HBOC); Hereditary breast and ovarian cancer syndrome; Hereditary breast and ovarian cancer; Hereditary breast and/or ovarian cancer syndrome; Breast and ovarian cancer; BRCA1- and BRCA2-Associated Hereditary Breast and Ovarian Cancer. Identifiers: Orphanet 145, MedGen C0677776, MeSH D061325, MONDO:0003582. Disease mechanism: loss of function.
Breast-ovarian cancer, familial, susceptibility to, 1 (BROVCA1). Also called: OVARIAN CANCER, SUSCEPTIBILITY TO; BRCA1 Hereditary Breast and Ovarian Cancer. Identifiers: Orphanet 145, MedGen C2676676, MONDO:0011450, OMIM 604370. Disease mechanism: loss of function.

Submissions (4):

Evidence-based Network for the Interpretation of Germline Mutant Alleles (ENIGMA)
Classification: Pathogenic for Breast-ovarian cancer, familial, susceptibility to, 1. Last evaluated: 2016-09-08. Review status: reviewed by expert panel. Criteria: ENIGMA BRCA1/2 Classification Criteria (2015). Collection method: curation. Allele origin: germline.
Comment: Variant allele predicted to encode a truncated non-functional protein.

German Consortium for Hereditary Breast and Ovarian Cancer, University Hospital Cologne
Classification: Pathogenic for Hereditary breast ovarian cancer syndrome. Last evaluated: 2024-05-28. Review status: criteria provided, single submitter. Criteria: ClinGen BRCA1 V1.0.0. Collection method: curation. Allele origin: germline. Not counted in ClinVar's aggregate classification.
Comment: According to the ClinGen ENIGMA BRCA1 v1.0.0 criteria we chose these criteria: PVS1 (very strong pathogenic): ENIGMA Specifications Table 4,, PM2 (supporting pathogenic): not in gnomAD, PM5 (medium pathogenic): ENIGMA Specifications Table 4

Consortium of Investigators of Modifiers of BRCA1/2 (CIMBA), c/o University of Cambridge
Classification: Pathogenic for Breast-ovarian cancer, familial, susceptibility to, 1. Last evaluated: 2015-10-02. Review status: criteria provided, single submitter. Criteria: CIMBA Mutation Classification guidelines May 2016. Collection method: clinical testing. Allele origin: germline. Not counted in ClinVar's aggregate classification.

Breast Cancer Information Core (BIC) (BRCA1)
Classification: Pathogenic for Breast-ovarian cancer, familial 1. Last evaluated: 2004-02-20. Review status: no assertion criteria provided. Collection method: clinical testing. Allele origin: germline. Affected: yes. Observed: 1 variant allele. Not counted in ClinVar's aggregate classification.